The following is an entry in ClinVar:

ClinVar aggregate classification (germline): Uncertain significance (1 of 4 stars; one submission).

Allele frequency attached by ClinVar (database versions not stated): gnomAD exomes below 0.00001; gnomAD 0.00001; TOPMed 0.00001.
gnomAD v4.1: 1 of 1,604,550 alleles (0.000062%); highest among the groups gnomAD compares: East Asian, 0.0022%; no homozygotes.

Submission:

Labcorp Genetics (formerly Invitae), Labcorp
Classification: Uncertain significance. Last evaluated: 2023-05-22. Review status: criteria provided, single submitter. Criteria: Invitae Variant Classification Sherloc (09022015). Collection method: clinical testing. Allele origin: germline.
Comment: This sequence change replaces proline, which is neutral and non-polar, with leucine, which is neutral and non-polar, at codon 835 of the PTPN23 protein (p.Pro835Leu). This variant is not present in population databases (gnomAD no frequency). This variant has not been reported in the literature in individuals affected with PTPN23-related conditions. ClinVar contains an entry for this variant (Variation ID: 1372162). Experimental studies and prediction algorithms are not available or were not evaluated, and the functional significance of this variant is currently unknown. In summary, the available evidence is currently insufficient to determine the role of this variant in disease. Therefore, it has been classified as a Variant of Uncertain Significance.

NM_015466.4(PTPN23):c.2504C>T (p.Pro835Leu)

Gene: PTPN23 (protein tyrosine phosphatase non-receptor type 23; plus strand). Cytogenetic location: 3p21.31.
Variant type: single nucleotide variant.
Coding change: c.2504C>T on transcript NM_015466.4 (MANE Select); coding-DNA position 2504, C replaced by T.
Protein change: p.Pro835Leu; replaces proline 835 with leucine.
Molecular consequence: missense variant.
Genome position (GRCh38, 1-based): chr3:47,410,302, C>T. VCF-style: chr3-47410302-C-T. GRCh37 (hg19) VCF-style: chr3-47451792-C-T.
Other names: c.2126C>T, p.Pro709Leu (NM_001304482.2); short protein forms P709L, P835L.
Identifiers: ClinVar variation 1372162 (VCV001372162.4), dbSNP rs1012883629, ClinGen allele CA73880254.